The following is an entry in ClinVar:

ClinVar aggregate classification (germline): Uncertain significance (1 of 4 stars; one submission).

Conditions:
Hypertrophic cardiomyopathy. Also called: HYPERTROPHIC MYOCARDIOPATHY. Identifiers: Orphanet 217569, MedGen C0007194, MeSH D002312, MONDO:0005045, HP:0001639.

Allele frequency attached by ClinVar (database versions not stated): gnomAD exomes below 0.00001; gnomAD 0.00001.
gnomAD v4.1: 3 of 1,579,530 alleles (0.00019%); highest among the groups gnomAD compares: Non-Finnish European, 0.00017%; no homozygotes.

Submission:

Labcorp Genetics (formerly Invitae), Labcorp
Classification: Uncertain significance for Hypertrophic cardiomyopathy. Last evaluated: 2019-06-07. Review status: criteria provided, single submitter. Criteria: Invitae Variant Classification Sherloc (09022015). Collection method: clinical testing. Allele origin: germline.
Comment: Algorithms developed to predict the effect of sequence changes on RNA splicing suggest that this variant is not likely to affect RNA splicing, but this prediction has not been confirmed by published transcriptional studies. This sequence change affects codon 309 of the MYBPC3 mRNA. It is a 'silent' change, meaning that it does not change the encoded amino acid sequence of the MYBPC3 protein. This variant is not present in population databases (ExAC no frequency). This variant has not been reported in the literature in individuals with MYBPC3-related conditions. In summary, the available evidence is currently insufficient to determine the role of this variant in disease. Therefore, it has been classified as a Variant of Uncertain Significance.

NM_000256.3(MYBPC3):c.927G>A (p.Arg309=)

Gene: MYBPC3 (myosin binding protein C3; minus strand). Cytogenetic location: 11p11.2.
Variant type: single nucleotide variant.
Coding change: c.927G>A on transcript NM_000256.3 (MANE Select); coding-DNA position 927, G replaced by A.
Protein change: p.Arg309=; no amino-acid change (arginine 309 retained).
Molecular consequence: synonymous variant.
Genome position (GRCh38, 1-based): chr11:47,346,370, C>T on the plus strand (G>A on the coding strand, the complement: MYBPC3 is on the minus strand). VCF-style: chr11-47346370-C-T. GRCh37 (hg19) VCF-style: chr11-47367921-C-T.
Identifiers: ClinVar variation 937540 (VCV000937540.9), dbSNP rs1365616507, ClinGen allele CA474221048.